The following is an entry in ClinVar:

NM_000094.4(COL7A1):c.4409G>A (p.Arg1470Gln)

Gene: COL7A1 (collagen type VII alpha 1 chain; minus strand). Cytogenetic location: 3p21.31.
Variant type: single nucleotide variant.
Coding change: c.4409G>A on transcript NM_000094.4 (MANE Select); coding-DNA position 4409, G replaced by A.
Protein change: p.Arg1470Gln; replaces arginine 1470 with glutamine.
Molecular consequence: missense variant.
Genome position (GRCh38, 1-based): chr3:48,583,421, C>T on the plus strand (G>A on the coding strand, the complement: COL7A1 is on the minus strand). VCF-style: chr3-48583421-C-T. GRCh37 (hg19) VCF-style: chr3-48620854-C-T.
Other names: short protein forms R1470Q.
Identifiers: ClinVar variation 3366454 (VCV003366454.2).

ClinVar aggregate classification (germline): Uncertain significance. Review status: criteria provided, multiple submitters, no conflicts (2 of 4 stars). 2 submissions from 2 submitters: Uncertain significance (2). Last evaluated 2025-11-12.

gnomAD v4.1: 3 of 1,614,140 alleles (0.00019%); highest among the groups gnomAD compares: Middle Eastern, 0.017%; no homozygotes.

Submissions (2):

Labcorp Genetics (formerly Invitae), Labcorp
Classification: Uncertain significance. Last evaluated: 2025-11-12. Review status: criteria provided, single submitter. Criteria: Invitae Variant Classification Sherloc (09022015). Collection method: clinical testing. Allele origin: germline.
Comment: This sequence change replaces arginine, which is basic and polar, with glutamine, which is neutral and polar, at codon 1470 of the COL7A1 protein (p.Arg1470Gln). This variant is present in population databases (rs747756779, gnomAD 0.006%). This variant has not been reported in the literature in individuals affected with COL7A1-related conditions. ClinVar contains an entry for this variant (Variation ID: 3366454). Invitae Evidence Modeling of protein sequence and biophysical properties (such as structural, functional, and spatial information, amino acid conservation, physicochemical variation, residue mobility, and thermodynamic stability) indicates that this missense variant is not expected to disrupt COL7A1 protein function with a negative predictive value of 95%. In summary, the available evidence is currently insufficient to determine the role of this variant in disease. Therefore, it has been classified as a Variant of Uncertain Significance.

Women's Health and Genetics/Laboratory Corporation of America, LabCorp
Classification: Uncertain significance. Last evaluated: 2024-08-31. Review status: criteria provided, single submitter. Criteria: LabCorp Variant Classification Summary - May 2015. Collection method: clinical testing. Allele origin: germline.